The following is an entry in ClinVar:

NM_001958.5(EEF1A2):c.346G>A (p.Val116Met)

Gene: EEF1A2 (eukaryotic translation elongation factor 1 alpha 2; minus strand). Cytogenetic location: 20q13.33.
Variant type: single nucleotide variant.
Coding change: c.346G>A on transcript NM_001958.5 (MANE Select); coding-DNA position 346, G replaced by A.
Protein change: p.Val116Met; replaces valine 116 with methionine.
Molecular consequence: missense variant.
Genome position (GRCh38, 1-based): chr20:63,495,080, C>T on the plus strand (G>A on the coding strand, the complement: EEF1A2 is on the minus strand). VCF-style: chr20-63495080-C-T. GRCh37 (hg19) VCF-style: chr20-62126433-C-T.
Other names: short protein forms V116M.
Identifiers: ClinVar variation 2784028 (VCV002784028.3), dbSNP rs2145944967, ClinGen allele CA409650457.

ClinVar aggregate classification (germline): Uncertain significance (1 of 4 stars; one submission).

Conditions:
Developmental and epileptic encephalopathy, 33 (DEE33). Also called: Epileptic encephalopathy, early infantile, 33. Identifiers: Orphanet 442835, MedGen C4225337, MONDO:0014625, OMIM 616409.

Allele frequency attached by ClinVar (database versions not stated): gnomAD exomes below 0.00001.
gnomAD v4.1: 3 of 1,611,384 alleles (0.00019%); highest among the groups gnomAD compares: Non-Finnish European, 0.00025%; no homozygotes.

Submission:

Labcorp Genetics (formerly Invitae), Labcorp
Classification: Uncertain significance for Developmental and epileptic encephalopathy, 33. Last evaluated: 2024-07-26. Review status: criteria provided, single submitter. Criteria: Invitae Variant Classification Sherloc (09022015). Collection method: clinical testing. Allele origin: germline.
Comment: This sequence change replaces valine, which is neutral and non-polar, with methionine, which is neutral and non-polar, at codon 116 of the EEF1A2 protein (p.Val116Met). This variant is not present in population databases (gnomAD no frequency). This variant has not been reported in the literature in individuals affected with EEF1A2-related conditions. Advanced modeling of protein sequence and biophysical properties (such as structural, functional, and spatial information, amino acid conservation, physicochemical variation, residue mobility, and thermodynamic stability) performed at Invitae indicates that this missense variant is not expected to disrupt EEF1A2 protein function with a negative predictive value of 80%. In summary, the available evidence is currently insufficient to determine the role of this variant in disease. Therefore, it has been classified as a Variant of Uncertain Significance.